The following is an entry in ClinVar:

ClinVar aggregate classification (germline): Uncertain significance (1 of 4 stars; one submission).

Conditions:
Primary ciliary dyskinesia. Also called: Ciliary dyskinesia. Identifiers: Orphanet 244, MedGen C0008780, MONDO:0016575, HP:0012265.

Allele frequency attached by ClinVar (database versions not stated): gnomAD 0.00001.
gnomAD v4.1: 3 of 1,614,036 alleles (0.00019%); highest among the groups gnomAD compares: East Asian, 0.0022%; no homozygotes.

Submission:

Labcorp Genetics (formerly Invitae), Labcorp
Classification: Uncertain significance for Primary ciliary dyskinesia. Last evaluated: 2021-09-01. Review status: criteria provided, single submitter. Criteria: Invitae Variant Classification Sherloc (09022015). Collection method: clinical testing. Allele origin: germline.
Comment: This sequence change replaces asparagine with threonine at codon 726 of the DNAAF5 protein (p.Asn726Thr). The asparagine residue is weakly conserved and there is a small physicochemical difference between asparagine and threonine. This variant is not present in population databases (ExAC no frequency). This variant has not been reported in the literature in individuals affected with DNAAF5-related conditions. Algorithms developed to predict the effect of missense changes on protein structure and function (SIFT, PolyPhen-2, Align-GVGD) all suggest that this variant is likely to be tolerated. In summary, the available evidence is currently insufficient to determine the role of this variant in disease. Therefore, it has been classified as a Variant of Uncertain Significance.

NM_017802.4(DNAAF5):c.2177A>C (p.Asn726Thr)

Gene: DNAAF5 (dynein axonemal assembly factor 5; plus strand). Cytogenetic location: 7p22.3.
Variant type: single nucleotide variant.
Coding change: c.2177A>C on transcript NM_017802.4 (MANE Select); coding-DNA position 2177, A replaced by C.
Protein change: p.Asn726Thr; replaces asparagine 726 with threonine.
Molecular consequence: missense variant. On other transcripts: non-coding transcript variant (1).
Genome position (GRCh38, 1-based): chr7:775,100, A>C. VCF-style: chr7-775100-A-C. GRCh37 (hg19) VCF-style: chr7-814737-A-C.
Other names: short protein forms N726T.
Identifiers: ClinVar variation 1408214 (VCV001408214.5), dbSNP rs1332012675, ClinGen allele CA366546358.